The following is an entry in ClinVar:

NM_015466.4(PTPN23):c.392T>C (p.Met131Thr)

Gene: PTPN23 (protein tyrosine phosphatase non-receptor type 23; plus strand). Cytogenetic location: 3p21.31.
Variant type: single nucleotide variant.
Coding change: c.392T>C on transcript NM_015466.4 (MANE Select); coding-DNA position 392, T replaced by C.
Protein change: p.Met131Thr; replaces methionine 131 with threonine.
Molecular consequence: missense variant.
Genome position (GRCh38, 1-based): chr3:47,405,776, T>C. VCF-style: chr3-47405776-T-C. GRCh37 (hg19) VCF-style: chr3-47447266-T-C.
Other names: c.14T>C, p.Met5Thr (NM_001304482.2); short protein forms M5T, M131T.
Identifiers: ClinVar variation 2342680 (VCV002342680.2), dbSNP rs903044572, ClinGen allele CA73870856.
Genomic context (GRCh38, chr3:47,405,776, plus strand): 5'-CCAGGCCCCTAACACTGTCCCCTCCCTCCCCAGGAGCGCTGCACTCCATGCTGGGGGCCA[T>C]GGACAAGCGGGTGTCTGAGGAGGTGAGGAGAGGGGCAGTAGTGGAACATGTGGACATACC-3'
Protein context (NP_056281.1, residues 121-141): LGALHSMLGA[Met131Thr]DKRVSEEGMK

ClinVar aggregate classification (germline): Uncertain significance (1 of 4 stars; one submission).

Conditions:
Inborn genetic diseases. Identifiers: MedGen C0950123, MeSH D030342.

Allele frequency attached by ClinVar (database versions not stated): gnomAD exomes 0.00001; TOPMed 0.00001; gnomAD 0.00002.

Submission:

Ambry Genetics
Classification: Uncertain significance for Inborn genetic diseases. Last evaluated: 2021-02-26. Review status: criteria provided, single submitter. Criteria: Ambry Variant Classification Scheme 2023. Collection method: clinical testing. Allele origin: germline.
Comment: The c.392T>C (p.M131T) alteration is located in exon 5 (coding exon 5) of the PTPN23 gene. This alteration results from a T to C substitution at nucleotide position 392, causing the methionine (M) at amino acid position 131 to be replaced by a threonine (T). The p.M131T alteration is predicted to be tolerated by in silico analysis. Based on insufficient or conflicting evidence, the clinical significance of this alteration remains unclear.